The following is an entry in ClinVar:

NM_000094.4(COL7A1):c.4737G>T (p.Leu1579Phe)

Gene: COL7A1 (collagen type VII alpha 1 chain; minus strand). Cytogenetic location: 3p21.31.
Variant type: single nucleotide variant.
Coding change: c.4737G>T on transcript NM_000094.4 (MANE Select); coding-DNA position 4737, G replaced by T.
Protein change: p.Leu1579Phe; replaces leucine 1579 with phenylalanine.
Molecular consequence: missense variant.
Genome position (GRCh38, 1-based): chr3:48,581,618, C>A on the plus strand (G>T on the coding strand, the complement: COL7A1 is on the minus strand). VCF-style: chr3-48581618-C-A. GRCh37 (hg19) VCF-style: chr3-48619051-C-A.
Other names: short protein forms L1579F.
Identifiers: ClinVar variation 2122205 (VCV002122205.4), dbSNP rs1424587738, ClinGen allele CA352685030.

ClinVar aggregate classification (germline): Uncertain significance (1 of 4 stars; one submission).

gnomAD v4.1: 5 of 1,614,188 alleles (0.00031%); highest among the groups gnomAD compares: Non-Finnish European, 0.00042%; no homozygotes.

Submission:

Labcorp Genetics (formerly Invitae), Labcorp
Classification: Uncertain significance. Last evaluated: 2022-04-06. Review status: criteria provided, single submitter. Criteria: Invitae Variant Classification Sherloc (09022015). Collection method: clinical testing. Allele origin: germline.
Comment: This variant has not been reported in the literature in individuals affected with COL7A1-related conditions. In summary, the available evidence is currently insufficient to determine the role of this variant in disease. Therefore, it has been classified as a Variant of Uncertain Significance. Advanced modeling of protein sequence and biophysical properties (such as structural, functional, and spatial information, amino acid conservation, physicochemical variation, residue mobility, and thermodynamic stability) performed at Invitae indicates that this missense variant is not expected to disrupt COL7A1 protein function. This variant is present in population databases (no rsID available, gnomAD 0.0009%). This sequence change replaces leucine, which is neutral and non-polar, with phenylalanine, which is neutral and non-polar, at codon 1579 of the COL7A1 protein (p.Leu1579Phe).